The following is an entry in ClinVar:

NC_000017.10:g.(?_29552255)_(29555825_?)del

Gene: NF1 (neurofibromin 1; plus strand). Cytogenetic location: 17q11.2.
Variant type: Deletion.
Identifiers: ClinVar variation 1458087 (VCV001458087.4).

ClinVar aggregate classification (germline): Pathogenic (1 of 4 stars; one submission).

Conditions:
Neurofibromatosis, type 1 (NF1). Also called: Neurofibromatosis, type I; VON RECKLINGHAUSEN DISEASE; NEUROFIBROMATOSIS, TYPE I, SOMATIC; Peripheral type neurofibromatosis. Identifiers: Orphanet 636, MedGen C0027831, MONDO:0018975, OMIM 162200. Disease mechanism: loss of function.

Submission:

Labcorp Genetics (formerly Invitae), Labcorp
Classification: Pathogenic for Neurofibromatosis, type 1. Last evaluated: 2021-08-13. Review status: criteria provided, single submitter. Criteria: Invitae Variant Classification Sherloc (09022015). Collection method: clinical testing. Allele origin: germline.
Comment: This variant results in the deletion of exons 18-20 and part of exon 17 (c.1988_2410-218del) of the NF1 gene. It is expected to disrupt RNA splicing. Variants that disrupt the donor or acceptor splice site typically lead to a loss of protein function (PMID: 16199547), and loss-of-function variants in NF1 are known to be pathogenic (PMID: 10712197, 23913538). This variant has not been reported in the literature in individuals affected with NF1-related conditions. This variant disrupts a region of the NF1 protein in which other variant(s) (p.Cys709Arg) have been determined to be pathogenic (PMID: 28955729, 30530636; Invitae). This suggests that this is a clinically significant region of the protein, and that variants that disrupt it are likely to be disease-causing. For these reasons, this variant has been classified as Pathogenic.

Literature cited by the submitters: PubMed 16199547; PubMed 10712197; PubMed 23913538; PubMed 28955729; PubMed 30530636.